The following is an entry in ClinVar:

ClinVar aggregate classification (germline): Uncertain significance (1 of 4 stars; one submission).

Conditions:
Ehlers-Danlos syndrome, classic type, 1 (EDSCL1). Also called: EHLERS-DANLOS SYNDROME, GRAVIS TYPE; EHLERS-DANLOS SYNDROME, SEVERE CLASSIC TYPE; Ehlers-Danlos syndrome, type 1; Ehlers-Danlos Syndrome, Classic Type, COL5A1-Related; EDS I. Identifiers: MedGen C0268335, MONDO:0019567, OMIM 130000.

Submission:

Labcorp Genetics (formerly Invitae), Labcorp
Classification: Uncertain significance for Ehlers-Danlos syndrome, classic type, 1. Last evaluated: 2023-07-18. Review status: criteria provided, single submitter. Criteria: Invitae Variant Classification Sherloc (09022015). Collection method: clinical testing. Allele origin: germline.
Comment: This sequence change replaces aspartic acid, which is acidic and polar, with glycine, which is neutral and non-polar, at codon 41 of the COL5A1 protein (p.Asp41Gly). This variant is not present in population databases (gnomAD no frequency). This variant has not been reported in the literature in individuals affected with COL5A1-related conditions. Advanced modeling of protein sequence and biophysical properties (such as structural, functional, and spatial information, amino acid conservation, physicochemical variation, residue mobility, and thermodynamic stability) performed at Invitae indicates that this missense variant is not expected to disrupt COL5A1 protein function. In summary, the available evidence is currently insufficient to determine the role of this variant in disease. Therefore, it has been classified as a Variant of Uncertain Significance.

NM_000093.5(COL5A1):c.122A>G (p.Asp41Gly)

Gene: COL5A1 (collagen type V alpha 1 chain; plus strand). Cytogenetic location: 9q34.3.
Variant type: single nucleotide variant.
Coding change: c.122A>G on transcript NM_000093.5 (MANE Select); coding-DNA position 122, A replaced by G.
Protein change: p.Asp41Gly; replaces aspartic acid 41 with glycine.
Molecular consequence: missense variant.
Genome position (GRCh38, 1-based): chr9:134,690,924, A>G. VCF-style: chr9-134690924-A-G. GRCh37 (hg19) VCF-style: chr9-137582770-A-G.
Other names: c.122A>G, p.Asp41Gly (NM_001278074.1); short protein forms D41G.
Identifiers: ClinVar variation 2851408 (VCV002851408.3), dbSNP rs2491239408, ClinGen allele CA375440306.